The following is an entry in ClinVar:

ClinVar aggregate classification (germline): Pathogenic. Review status: criteria provided, multiple submitters, no conflicts (2 of 4 stars). 2 submissions from 2 submitters: Pathogenic (2). Last evaluated 2025-02-22.

Conditions:
CEP290-related ciliopathy. Also called: CEP290 ciliopathy. Identifiers: MedGen CN305601, MONDO:0100451.
Joubert syndrome 5 (JBTS5). Identifiers: Orphanet 2318, MedGen C1857780, MONDO:0012432, OMIM 610188.
Senior-Loken syndrome 6 (SLSN6). Identifiers: Orphanet 3156, MedGen C1857779, MONDO:0012433, OMIM 610189.
Bardet-Biedl syndrome 14 (BBS14). Identifiers: Orphanet 110, MedGen C2673874, MONDO:0014442, OMIM 615991.
Meckel syndrome, type 4 (MKS4). Also called: MECKEL-GRUBER SYNDROME, TYPE 4. Identifiers: Orphanet 564, MedGen C1970161, MONDO:0012626, OMIM 611134.
Leber congenital amaurosis 10 (LCA10). Identifiers: Orphanet 65, MedGen C1857821, MONDO:0012723, OMIM 611755.

gnomAD v4.1: 1 of 1,609,916 alleles (0.000062%); highest among the groups gnomAD compares: Admixed American, 0.0017%; no homozygotes.

Submissions (2):

Myriad Genetics, Inc.
Classification: Pathogenic for CEP290-related ciliopathy. Last evaluated: 2025-02-22. Review status: criteria provided, single submitter. Criteria: Myriad Autosomal Dominant, Autosomal Recessive and X-Linked Classification Criteria (2023). Collection method: clinical testing. Allele origin: unknown.
Comment: NM_025114.3(CEP290):c.566C>G(S189*) is expected to be pathogenic in the context of CEP290-related disorders. This variant is predicted to lead to an abnormal or absent protein product due to the creation of a premature termination codon in CEP290, a gene where loss-of-function variants are known to be pathogenic. Please note: this variant was assessed in the context of healthy population screening.

Fulgent Genetics
Classification: Pathogenic for Joubert syndrome 5; Senior-Loken syndrome 6; Meckel syndrome, type 4; Leber congenital amaurosis 10; Bardet-Biedl syndrome 14. Last evaluated: 2024-05-22. Review status: criteria provided, single submitter. Criteria: ACMG Guidelines, 2015. Collection method: clinical testing. Allele origin: germline.

NM_025114.4(CEP290):c.566C>G (p.Ser189Ter)

Gene: CEP290 (centrosomal protein 290; minus strand). Cytogenetic location: 12q21.32.
Variant type: single nucleotide variant.
Coding change: c.566C>G on transcript NM_025114.4 (MANE Select); coding-DNA position 566, C replaced by G.
Protein change: p.Ser189Ter; replaces serine 189 with a stop codon.
Molecular consequence: nonsense.
Genome position (GRCh38, 1-based): chr12:88,130,371, G>C on the plus strand (C>G on the coding strand, the complement: CEP290 is on the minus strand). VCF-style: chr12-88130371-G-C. GRCh37 (hg19) VCF-style: chr12-88524148-G-C.
Other names: short protein forms S189*.
Identifiers: ClinVar variation 3575490 (VCV003575490.2).